The following is an entry in ClinVar:

ClinVar aggregate classification (germline): Uncertain significance (1 of 4 stars; one submission).

Conditions:
Long QT syndrome (LQTS). Identifiers: MedGen C0023976, MeSH D008133, MONDO:0002442. Disease mechanism: loss of function. Inheritance: Various modes of inheritance.

Submissions (2):

Labcorp Genetics (formerly Invitae), Labcorp
Classification: Uncertain significance for Long QT syndrome. Last evaluated: 2025-12-23. Review status: criteria provided, single submitter. Criteria: Invitae Variant Classification Sherloc (09022015). Collection method: clinical testing. Allele origin: germline.
Comment: This sequence change replaces tyrosine, which is neutral and polar, with aspartic acid, which is acidic and polar, at codon 46 of the KCNE1 protein (p.Tyr46Asp). This variant is not present in population databases (gnomAD no frequency). This variant has not been reported in the literature in individuals affected with KCNE1-related conditions. ClinVar contains an entry for this variant (Variation ID: 3374145). Invitae Evidence Modeling of protein sequence and biophysical properties (such as structural, functional, and spatial information, amino acid conservation, physicochemical variation, residue mobility, and thermodynamic stability) indicates that this missense variant is expected to disrupt KCNE1 protein function with a positive predictive value of 95%. In summary, the available evidence is currently insufficient to determine the role of this variant in disease. Therefore, it has been classified as a Variant of Uncertain Significance.

Roden Lab, Vanderbilt University Medical Center
No classification provided (evidence only). Condition: Long QT syndrome 5. Review status: no classification provided. Collection method: in vitro. Allele origin: not applicable. Functional consequence: Effect on ion channel function. Not counted in ClinVar's aggregate classification.
ClinVar note: "not provided" was previously submitted as the classification for the variant. However, the classification appeared to be based only on an observation of functional data so it was converted to no classification on 2025-07-30.

NM_000219.6(KCNE1):c.136T>G (p.Tyr46Asp)

Gene: KCNE1 (potassium voltage-gated channel subfamily E regulatory subunit 1; minus strand). Cytogenetic location: 21q22.12.
Variant type: single nucleotide variant.
Coding change: c.136T>G on transcript NM_000219.6 (MANE Select); coding-DNA position 136, T replaced by G.
Protein change: p.Tyr46Asp; replaces tyrosine 46 with aspartic acid.
Molecular consequence: missense variant.
Genome position (GRCh38, 1-based): chr21:34,449,499, A>C on the plus strand (T>G on the coding strand, the complement: KCNE1 is on the minus strand). VCF-style: chr21-34449499-A-C. GRCh37 (hg19) VCF-style: chr21-35821797-A-C.
Other names: c.136T>G, p.Tyr46Asp (NM_001127668.4, NM_001127669.4, NM_001127670.4 and 4 more transcripts); short protein forms Y46D.
Identifiers: ClinVar variation 3374145 (VCV003374145.3).
Genomic context (GRCh38, chr21:34,449,499, plus strand): 5'-TGTAGCTCAGCATGATGCCCAGGGTGAAGAAGCCGAAGAATCCCAGTACCATGAGGACGT[A>C]GAGGGCCTCCAGCTTGCCGTCACTGCTGCGGGGGGACCTGCGGGCCAGGCCCGACATGTT-3'
Protein context (NP_000210.2, residues 36-56): RSSDGKLEAL[Tyr46Asp]VLMVLGFFGF